The following is an entry in ClinVar:

NM_001378328.1(CELSR1):c.5451G>A (p.Thr1817=)

Gene: CELSR1 (cadherin EGF LAG seven-pass G-type receptor 1; minus strand). Cytogenetic location: 22q13.31.
Variant type: single nucleotide variant.
Coding change: c.5451G>A on transcript NM_001378328.1 (MANE Select); coding-DNA position 5451, G replaced by A.
Protein change: p.Thr1817=; no amino-acid change (threonine 1817 retained).
Molecular consequence: synonymous variant.
Genome position (GRCh38, 1-based): chr22:46,398,599, C>T on the plus strand (G>A on the coding strand, the complement: CELSR1 is on the minus strand). VCF-style: chr22-46398599-C-T. GRCh37 (hg19) VCF-style: chr22-46794496-C-T.
Other names: c.5451G>A, p.Thr1817= (NM_014246.4).
Identifiers: ClinVar variation 2653329 (VCV002653329.24), dbSNP rs149832474, ClinGen allele CA10294244.

ClinVar aggregate classification (germline): Likely benign (1 of 4 stars; one submission).

Allele frequency attached by ClinVar (database versions not stated): TOPMed 0.00014; ESP Exome Variant Server 0.00015; gnomAD exomes 0.00024; ExAC 0.00027; gnomAD 0.00034.
gnomAD v4.1: 398 of 1,613,934 alleles (0.025%); highest among the groups gnomAD compares: Non-Finnish European, 0.017%; 1 homozygote.

Submission:

CeGaT Center for Human Genetics Tuebingen
Classification: Likely benign. Last evaluated: 2022-04-01. Review status: criteria provided, single submitter. Criteria: CeGaT Center For Human Genetics Tuebingen Variant Classification Criteria Version 2. Collection method: clinical testing. Allele origin: germline. Affected: yes. Observed: 1 variant allele.
Comment: CELSR1: BP4, BP7